The following is an entry in ClinVar:

NM_017534.6(MYH2):c.3986T>C (p.Ile1329Thr)

Genes: MYHAS (myosin heavy chain gene cluster antisense RNA; plus strand), MYH2 (myosin heavy chain 2; minus strand). Cytogenetic location: 17p13.1.
Variant type: single nucleotide variant.
Coding change: c.3986T>C on transcript NM_017534.6 (MANE Select); coding-DNA position 3986, T replaced by C.
Protein change: p.Ile1329Thr; replaces isoleucine 1329 with threonine.
Molecular consequence: missense variant.
Genome position (GRCh38, 1-based): chr17:10,526,942, A>G on the plus strand (T>C on the coding strand, the complement: MYH2 is on the minus strand). VCF-style: chr17-10526942-A-G. GRCh37 (hg19) VCF-style: chr17-10430259-A-G.
Other names: c.3986T>C, p.Ile1329Thr (NM_001100112.2); short protein forms I1329T.
Identifiers: ClinVar variation 3663830 (VCV003663830.2).

ClinVar aggregate classification (germline): Uncertain significance (1 of 4 stars; one submission).

Conditions:
Myopathy, proximal, and ophthalmoplegia (CMYO6). Also called: MYOPATHY WITH CONGENITAL JOINT CONTRACTURES, OPHTHALMOPLEGIA, AND RIMMED VACUOLES; INCLUSION BODY MYOPATHY 3, AUTOSOMAL DOMINANT; CONGENITAL MYOPATHY 6 WITH OPHTHALMOPLEGIA. Identifiers: Orphanet 363677, Orphanet 79091, MedGen C1854106, MONDO:0011577, OMIM 605637.

gnomAD v4.1: 8 of 1,613,834 alleles (0.0005%); highest among the groups gnomAD compares: Admixed American, 0.0033%; no homozygotes.

Submission:

Labcorp Genetics (formerly Invitae), Labcorp
Classification: Uncertain significance for Myopathy, proximal, and ophthalmoplegia. Last evaluated: 2024-08-02. Review status: criteria provided, single submitter. Criteria: Invitae Variant Classification Sherloc (09022015). Collection method: clinical testing. Allele origin: germline.
Comment: This sequence change replaces isoleucine, which is neutral and non-polar, with threonine, which is neutral and polar, at codon 1329 of the MYH2 protein (p.Ile1329Thr). This variant is present in population databases (no rsID available, gnomAD 0.0008%). This variant has not been reported in the literature in individuals affected with MYH2-related conditions. Advanced modeling of protein sequence and biophysical properties (such as structural, functional, and spatial information, amino acid conservation, physicochemical variation, residue mobility, and thermodynamic stability) performed at Invitae indicates that this missense variant is not expected to disrupt MYH2 protein function with a negative predictive value of 80%. In summary, the available evidence is currently insufficient to determine the role of this variant in disease. Therefore, it has been classified as a Variant of Uncertain Significance.